The following is an entry in ClinVar:

NM_000092.5(COL4A4):c.3506G>A (p.Gly1169Asp)

Gene: COL4A4 (collagen type IV alpha 4 chain; minus strand). Cytogenetic location: 2q36.3.
Variant type: single nucleotide variant.
Coding change: c.3506G>A on transcript NM_000092.5 (MANE Select); coding-DNA position 3506, G replaced by A.
Protein change: p.Gly1169Asp; replaces glycine 1169 with aspartic acid.
Molecular consequence: missense variant.
Genome position (GRCh38, 1-based): chr2:227,033,481, C>T on the plus strand (G>A on the coding strand, the complement: COL4A4 is on the minus strand). VCF-style: chr2-227033481-C-T. GRCh37 (hg19) VCF-style: chr2-227898197-C-T.
Other names: short protein forms G1169D.
Identifiers: ClinVar variation 2631235 (VCV002631235.2), dbSNP rs2473400519, ClinGen allele CA350838133.

ClinVar aggregate classification (germline): Likely pathogenic. Review status: criteria provided, multiple submitters, no conflicts (2 of 4 stars). 2 submissions from 2 submitters: Likely pathogenic (2). Last evaluated 2025-09-02.

Conditions:
Alport syndrome. Also called: Hemorrhagic familial nephritis; Hemorrhagic hereditary nephritis; Congenital hereditary hematuria. Identifiers: Orphanet 63, MedGen C1567741, MONDO:0018965.
COL4A4-related disorder.

Submissions (2):

Natera, Inc.
Classification: Likely pathogenic for Alport syndrome. Last evaluated: 2025-09-02. Review status: criteria provided, single submitter. Criteria: Natera Variant Classification Schema (03/2026). Collection method: clinical testing. Allele origin: germline.
Comment: The c.3506G>A variant in COL4A4 is a missense variant predicted to cause substitution of glycine to aspartic acid at amino acid 1169. This variant is rare in the general population with a frequency below the threshold expected for the associated phenotype(s). This variant is located in a functionally critical region of the protein. Computational prediction algorithms indicate this variant is likely to affect gene or protein function. Given the available evidence, this variant is classified as Likely Pathogenic.

PreventionGenetics, part of Exact Sciences
Classification: Likely pathogenic for COL4A4-related condition. Last evaluated: 2023-08-06. Review status: criteria provided, single submitter. Criteria: ACMG Guidelines, 2015. Collection method: clinical testing. Allele origin: germline.
Comment: The COL4A4 c.3506G>A variant is predicted to result in the amino acid substitution p.Gly1169Asp. To our knowledge, this variant has not been reported in the literature or in a large population database, indicating this variant is rare. The Gly1169Asp variant affects a Gly residue of the conserved triple helical domain (residues 65 – 1459) of the COL4A4 protein. The majority of pathogenic variants in COL4A4 substitute a glycine residue to a bulkier amino acid in the triple-helical domain (Hudson et al. 1993. PubMed ID: 8253711). A different change at this amino acid residue (p.Gly1169Val) has been reported in a patient with COL4A4-related disorders (Nabais Sá. 2015. PubMed ID: 25307543). This variant is interpreted as likely pathogenic.